The following is an entry in ClinVar:

NM_004999.4(MYO6):c.790_795delinsAA (p.His264fs)

Gene: MYO6 (myosin VI; plus strand). Cytogenetic location: 6q14.1.
Variant type: Indel.
Coding change: c.790_795delinsAA on transcript NM_004999.4 (MANE Select); coding-DNA positions 790 to 795, CATTTG replaced by AA.
Protein change: p.His264fs; shifts the reading frame from histidine 264.
Molecular consequence: frameshift variant. On other transcripts: non-coding transcript variant (2).
Genome position (GRCh38, 1-based): chr6:75,841,352-75,841,357, CATTTG replaced by AA. VCF-style: chr6-75841352-CATTTG-AA. GRCh37 (hg19) VCF-style: chr6-76551069-CATTTG-AA.
Other names: c.790_795delinsAA, p.His264fs (NM_001300899.2, NM_001368136.1, NM_001368137.1 and 4 more transcripts); c.775_780delinsAA, p.His259fs (NM_001368138.1); short protein forms H264fs, H259fs.
Identifiers: ClinVar variation 523990 (VCV000523990.2), dbSNP rs1554207040, ClinGen allele CA658796791.

ClinVar aggregate classification (germline): Pathogenic (1 of 4 stars; one submission).

Submission:

GeneDx
Classification: Pathogenic. Last evaluated: 2018-03-19. Review status: criteria provided, single submitter. Criteria: GeneDx Variant Classification (06012015). Collection method: clinical testing. Allele origin: germline. Affected: yes.
Comment: The c.790_795delCATTTGinsAA variant has not been published as a pathogenic variant, nor has it been reported as a benign variant to our knowledge. The variant is not observed in large population cohorts (Lek et al., 2016). The variant causes a frameshift starting with codon Histidine 264, changes this amino acid to a Lysine residue and creates a premature Stop codon at position 10 of the new reading frame, denoted p.His264LysfsX10. This variant is predicted to cause loss of normal protein function either through protein truncation or nonsense-mediated mRNA decay. In summary, we consider this variant to be pathogenic.